The following is an entry in ClinVar:

ClinVar aggregate classification (germline): Conflicting classifications of pathogenicity. Review status: criteria provided, conflicting classifications (1 of 4 stars). 2 submissions from 2 submitters: Uncertain significance (1); Likely benign (1). Last evaluated 2025-06-24.

Allele frequency attached by ClinVar (database versions not stated): gnomAD exomes 0.00008 and 0.00018; gnomAD 0.00010; TOPMed 0.00015; 1000 Genomes Project 0.00020; ExAC 0.00021; 1000 Genomes Project 30x 0.00031.

Submissions (2):

Labcorp Genetics (formerly Invitae), Labcorp
Classification: Likely benign. Last evaluated: 2025-06-24. Review status: criteria provided, single submitter. Criteria: Invitae Variant Classification Sherloc (09022015). Collection method: clinical testing. Allele origin: germline.

GeneDx
Classification: Uncertain significance. Last evaluated: 2022-05-16. Review status: criteria provided, single submitter. Criteria: GeneDx Variant Classification Process June 2021. Collection method: clinical testing. Allele origin: germline. Affected: yes.
Comment: In silico analysis supports that this missense variant does not alter protein structure/function; Has not been previously published as pathogenic or benign to our knowledge

NM_018060.4(IARS2):c.2360G>A (p.Arg787Gln)

Gene: IARS2 (isoleucyl-tRNA synthetase 2, mitochondrial; plus strand). Cytogenetic location: 1q41.
Variant type: single nucleotide variant.
Coding change: c.2360G>A on transcript NM_018060.4 (MANE Select); coding-DNA position 2360, G replaced by A.
Protein change: p.Arg787Gln; replaces arginine 787 with glutamine.
Molecular consequence: missense variant.
Genome position (GRCh38, 1-based): chr1:220,140,235, G>A. VCF-style: chr1-220140235-G-A. GRCh37 (hg19) VCF-style: chr1-220313577-G-A.
Other names: short protein forms R787Q.
Identifiers: ClinVar variation 1561450 (VCV001561450.9), dbSNP rs189118525, ClinGen allele CA1401753.